The following is an entry in ClinVar:

ClinVar aggregate classification (germline): Benign/Likely benign. Review status: criteria provided, multiple submitters, no conflicts (2 of 4 stars). 5 submissions from 5 submitters: Benign (1); Likely benign (4). Last evaluated 2025-06-11.

Conditions:
Hereditary cancer-predisposing syndrome. Also called: Neoplastic Syndromes, Hereditary; Tumor predisposition; Hereditary Cancer Syndrome; Hereditary neoplastic syndrome. Identifiers: Orphanet 140162, MedGen C0027672, MeSH D009386, MONDO:0015356.
Hereditary nonpolyposis colorectal neoplasms. Identifiers: MedGen C0009405, MeSH D003123.
Lynch syndrome 4 (LYNCH4). Also called: Colorectal cancer, hereditary nonpolyposis, type 4; Hereditary non-polyposis colorectal cancer, type 4. Identifiers: Orphanet 144, MedGen C1838333, MONDO:0013699, OMIM 614337. Disease mechanism: loss of function.

Allele frequency attached by ClinVar (database versions not stated): TOPMed below 0.00001; gnomAD 0.00001.
gnomAD v4.1: 4 of 1,612,552 alleles (0.00025%); highest among the groups gnomAD compares: Non-Finnish European, 0.00034%; no homozygotes.

Submissions (5):

Labcorp Genetics (formerly Invitae), Labcorp
Classification: Likely benign for Hereditary nonpolyposis colorectal neoplasms. Last evaluated: 2025-06-11. Review status: criteria provided, single submitter. Criteria: Invitae Variant Classification Sherloc (09022015). Collection method: clinical testing. Allele origin: germline.

Myriad Genetics, Inc.
Classification: Benign for Lynch syndrome 4. Last evaluated: 2025-01-23. Review status: criteria provided, single submitter. Criteria: Myriad Autosomal Dominant, Autosomal Recessive and X-Linked Classification Criteria (2023). Collection method: clinical testing. Allele origin: unknown.
Comment: This variant is considered benign. This variant is a silent/synonymous amino acid change and it is not expected to impact splicing.

Women's Health and Genetics/Laboratory Corporation of America, LabCorp
Classification: Likely benign. Last evaluated: 2024-09-19. Review status: criteria provided, single submitter. Criteria: LabCorp Variant Classification Summary - May 2015. Collection method: clinical testing. Allele origin: germline.
Comment: Variant summary: PMS2 c.21G>A (p.Ser7Ser) alters a non-conserved nucleotide located close to a canonical splice site and therefore could affect mRNA splicing, leading to a significantly altered protein sequence. Consensus agreement among computation tools predict no significant impact on normal splicing. However, these predictions have yet to be confirmed by functional studies. The variant was absent in 250326 control chromosomes. The available data on variant occurrences in the general population are insufficient to allow any conclusion about variant significance. To our knowledge, no occurrence of c.21G>A in individuals affected with Lynch Syndrome and no experimental evidence demonstrating its impact on protein function have been reported. ClinVar contains an entry for this variant (Variation ID: 230712). Based on the evidence outlined above, the variant was classified as likely benign.

GeneDx
Classification: Likely benign. Last evaluated: 2018-02-15. Review status: criteria provided, single submitter. Criteria: GeneDx Variant Classification (06012015). Collection method: clinical testing. Allele origin: germline. Affected: yes.
Comment: This variant is considered likely benign or benign based on one or more of the following criteria: it is a conservative change, it occurs at a poorly conserved position in the protein, it is predicted to be benign by multiple in silico algorithms, and/or has population frequency not consistent with disease.

Ambry Genetics
Classification: Likely benign for Hereditary cancer-predisposing syndrome. Last evaluated: 2015-03-10. Review status: criteria provided, single submitter. Criteria: Ambry Variant Classification Scheme 2023. Collection method: clinical testing. Allele origin: germline.

NM_000535.7(PMS2):c.21G>A (p.Ser7=)

Gene: PMS2 (PMS1 homolog 2, mismatch repair system component; minus strand). Cytogenetic location: 7p22.1.
Variant type: single nucleotide variant.
Coding change: c.21G>A on transcript NM_000535.7 (MANE Select); coding-DNA position 21, G replaced by A.
Protein change: p.Ser7=; no amino-acid change (serine 7 retained).
Molecular consequence: synonymous variant. On other transcripts: 5 prime UTR variant (11), non-coding transcript variant (1).
Genome position (GRCh38, 1-based): chr7:6,008,999, C>T on the plus strand (G>A on the coding strand, the complement: PMS2 is on the minus strand). VCF-style: chr7-6008999-C-T. GRCh37 (hg19) VCF-style: chr7-6048630-C-T.
Other names: c.-380G>A (NM_001322003.2, NM_001322013.2); c.-245G>A (NM_001322004.2, NM_001322010.2); c.-575G>A (NM_001322005.2); c.21G>A, p.Ser7= (NM_001322006.2, NM_001322014.2); c.-195G>A (NM_001322007.2); c.-55G>A (NM_001322008.2); c.-570G>A (NM_001322009.2); c.-864G>A (NM_001322011.2); and 2 more.
Identifiers: ClinVar variation 230712 (VCV000230712.18), dbSNP rs587780726, ClinGen allele CA10578734.